The following is an entry in ClinVar:

ClinVar aggregate classification (germline): Uncertain significance. Review status: criteria provided, multiple submitters, no conflicts (2 of 4 stars). 2 submissions from 2 submitters: Uncertain significance (2). Last evaluated 2024-01-04.

Conditions:
Asphyxiating thoracic dystrophy 5 (SRTD5). Also called: SHORT-RIB THORACIC DYSPLASIA 5 WITHOUT POLYDACTYLY; SHORT-RIB THORACIC DYSPLASIA 5 WITH OR WITHOUT POLYDACTYLY. Identifiers: Orphanet 474, MedGen C3280598, MONDO:0013717, OMIM 614376.
Senior-Loken syndrome 8 (SLSN8). Identifiers: Orphanet 3156, MedGen C4225376, MONDO:0014579, OMIM 616307.

Submissions (2):

3billion
Classification: Uncertain significance for Senior-Loken syndrome 8. Last evaluated: 2024-01-04. Review status: criteria provided, single submitter. Criteria: ACMG Guidelines, 2015. Collection method: clinical testing. Allele origin: germline. Affected: yes.
Comment: The variant is not observed in the gnomAD v2.1.1 dataset. Predicted Consequence/Location: Missense variant In silico tool predictions suggest damaging effect of the variant on gene or gene product [REVEL: 0.76 (>=0.6, sensitivity 0.68 and specificity 0.92)]. Therefore, this variant is classified as VUS according to the recommendation of ACMG/AMP guideline.

Labcorp Genetics (formerly Invitae), Labcorp
Classification: Uncertain significance for Senior-Loken syndrome 8; Asphyxiating thoracic dystrophy 5. Last evaluated: 2021-10-06. Review status: criteria provided, single submitter. Criteria: Invitae Variant Classification Sherloc (09022015). Collection method: clinical testing. Allele origin: germline.
Comment: In summary, the available evidence is currently insufficient to determine the role of this variant in disease. Therefore, it has been classified as a Variant of Uncertain Significance. Algorithms developed to predict the effect of missense changes on protein structure and function (SIFT, PolyPhen-2, Align-GVGD) all suggest that this variant is likely to be disruptive. This variant has not been reported in the literature in individuals affected with WDR19-related conditions. This variant is not present in population databases (ExAC no frequency). This sequence change replaces glycine with aspartic acid at codon 866 of the WDR19 protein (p.Gly866Asp). The glycine residue is highly conserved and there is a moderate physicochemical difference between glycine and aspartic acid.

NM_025132.4(WDR19):c.2597G>A (p.Gly866Asp)

Gene: WDR19 (WD repeat domain 19; plus strand). Cytogenetic location: 4p14.
Variant type: single nucleotide variant.
Coding change: c.2597G>A on transcript NM_025132.4 (MANE Select); coding-DNA position 2597, G replaced by A.
Protein change: p.Gly866Asp; replaces glycine 866 with aspartic acid.
Molecular consequence: missense variant.
Genome position (GRCh38, 1-based): chr4:39,244,504, G>A. VCF-style: chr4-39244504-G-A. GRCh37 (hg19) VCF-style: chr4-39246124-G-A.
Other names: c.2117G>A, p.Gly706Asp (NM_001317924.2); short protein forms G866D, G706D.
Identifiers: ClinVar variation 1494663 (VCV001494663.7), dbSNP rs2109406612, ClinGen allele CA356638483.